The following is an entry in ClinVar:

NM_001036.6(RYR3):c.6756G>C (p.Glu2252Asp)

Gene: RYR3 (ryanodine receptor 3; plus strand). Cytogenetic location: 15q14.
Variant type: single nucleotide variant.
Coding change: c.6756G>C on transcript NM_001036.6 (MANE Select); coding-DNA position 6756, G replaced by C.
Protein change: p.Glu2252Asp; replaces glutamic acid 2252 with aspartic acid.
Molecular consequence: missense variant.
Genome position (GRCh38, 1-based): chr15:33,722,851, G>C. VCF-style: chr15-33722851-G-C. GRCh37 (hg19) VCF-style: chr15-34015052-G-C.
Other names: c.6756G>C, p.Glu2252Asp (NM_001243996.4); short protein forms E2252D.
Identifiers: ClinVar variation 581246 (VCV000581246.10), dbSNP rs760270042, ClinGen allele CA7459663.
Genomic context (GRCh38, chr15:33,722,851, plus strand): 5'-GCGGGGTGAGGGGGGAAACGGGCTCTTGGCAGCCATGCAGGGTGCCATTAAGATCTCTGA[G>C]AACCCAGCGCTCGACCTCCCCTCTCAAGGATACAAAAGAGAAGTGTAAGTGAATGGAATT-3'
Protein context (NP_001027.3, residues 2242-2262): AAMQGAIKIS[Glu2252Asp]NPALDLPSQG

ClinVar aggregate classification (germline): Uncertain significance (1 of 4 stars; one submission).

Conditions:
Epileptic encephalopathy. Identifiers: MedGen C0543888, HP:0200134.

Allele frequency attached by ClinVar (database versions not stated): gnomAD exomes below 0.00001; ExAC 0.00001.
gnomAD v4.1: 1 of 1,604,230 alleles (0.000062%); highest among the groups gnomAD compares: Non-Finnish European, 0.000085%; no homozygotes.

Submission:

Labcorp Genetics (formerly Invitae), Labcorp
Classification: Uncertain significance for Epileptic encephalopathy. Last evaluated: 2019-06-14. Review status: criteria provided, single submitter. Criteria: Invitae Variant Classification Sherloc (09022015). Collection method: clinical testing. Allele origin: germline.
Comment: This variant has not been reported in the literature in individuals with RYR3-related disease. In summary, the available evidence is currently insufficient to determine the role of this variant in disease. Therefore, it has been classified as a Variant of Uncertain Significance. Algorithms developed to predict the effect of missense changes on protein structure and function do not agree on the potential impact of this missense change (SIFT: "Deleterious"; PolyPhen-2: "Benign"; Align-GVGD: "Class C35"). This variant is present in population databases (rs760270042, ExAC 0.002%). This sequence change replaces glutamic acid with aspartic acid at codon 2252 of the RYR3 protein (p.Glu2252Asp). The glutamic acid residue is highly conserved and there is a small physicochemical difference between glutamic acid and aspartic acid.